The following is an entry in ClinVar:

NM_016507.4(CDK12):c.651A>T (p.Lys217Asn)

Genes: CDK12 (cyclin dependent kinase 12; plus strand), LOC126862553 (CDK7 strongly-dependent group 2 enhancer GRCh37_chr17:37618166-37619365; plus strand). Cytogenetic location: 17q12.
Variant type: single nucleotide variant.
Coding change: c.651A>T on transcript NM_016507.4 (MANE Select); coding-DNA position 651, A replaced by T.
Protein change: p.Lys217Asn; replaces lysine 217 with asparagine.
Molecular consequence: missense variant.
Genome position (GRCh38, 1-based): chr17:39,462,722, A>T. VCF-style: chr17-39462722-A-T. GRCh37 (hg19) VCF-style: chr17-37618975-A-T.
Other names: c.651A>T, p.Lys217Asn (NM_015083.4); short protein forms K217N.
Identifiers: ClinVar variation 3830795 (VCV003830795.1).

ClinVar aggregate classification (germline): Uncertain significance (1 of 4 stars; one submission).

gnomAD v4.1: 7 of 1,614,036 alleles (0.00043%); highest among the groups gnomAD compares: African/African-American, 0.0093%; no homozygotes.

Submission:

Ambry Genetics
Classification: Uncertain significance. Last evaluated: 2025-03-14. Review status: criteria provided, single submitter. Criteria: Ambry Variant Classification Scheme 2023. Collection method: clinical testing. Allele origin: germline.
Comment: The p.K217N variant (also known as c.651A>T), located in coding exon 1 of the CDK12 gene, results from an A to T substitution at nucleotide position 651. The lysine at codon 217 is replaced by asparagine, an amino acid with similar properties. This amino acid position is conserved. In addition, this alteration is predicted to be tolerated by in silico analysis. Based on the available evidence, the clinical significance of this variant remains unclear.